The following is an entry in ClinVar:

NM_138576.4(BCL11B):c.971A>G (p.His324Arg)

Gene: BCL11B (BCL11 transcription factor B; minus strand). Cytogenetic location: 14q32.2.
Variant type: single nucleotide variant.
Coding change: c.971A>G on transcript NM_138576.4 (MANE Select); coding-DNA position 971, A replaced by G.
Protein change: p.His324Arg; replaces histidine 324 with arginine.
Molecular consequence: missense variant.
Genome position (GRCh38, 1-based): chr14:99,175,865, T>C on the plus strand (A>G on the coding strand, the complement: BCL11B is on the minus strand). VCF-style: chr14-99175865-T-C. GRCh37 (hg19) VCF-style: chr14-99642202-T-C.
Other names: c.968A>G, p.His323Arg (NM_001282237.2); c.755A>G, p.His252Arg (NM_001282238.2); c.758A>G, p.His253Arg (NM_022898.3); short protein forms H323R, H253R, H252R, H324R.
Identifiers: ClinVar variation 1369019 (VCV001369019.8), dbSNP rs1595216601, ClinGen allele CA390936389.

ClinVar aggregate classification (germline): Uncertain significance (1 of 4 stars; one submission).

Submission:

Labcorp Genetics (formerly Invitae), Labcorp
Classification: Uncertain significance. Last evaluated: 2022-07-19. Review status: criteria provided, single submitter. Criteria: Invitae Variant Classification Sherloc (09022015). Collection method: clinical testing. Allele origin: germline.
Comment: This variant is not present in population databases (gnomAD no frequency). This variant has not been reported in the literature in individuals affected with BCL11B-related conditions. ClinVar contains an entry for this variant (Variation ID: 1369019). Algorithms developed to predict the effect of missense changes on protein structure and function are either unavailable or do not agree on the potential impact of this missense change (SIFT: "Deleterious"; PolyPhen-2: "Not Available"; Align-GVGD: "Class C0"). In summary, the available evidence is currently insufficient to determine the role of this variant in disease. Therefore, it has been classified as a Variant of Uncertain Significance. This sequence change replaces histidine, which is basic and polar, with arginine, which is basic and polar, at codon 324 of the BCL11B protein (p.His324Arg).